The following is an entry in ClinVar:

ClinVar aggregate classification (germline): Uncertain significance. Review status: criteria provided, multiple submitters, no conflicts (2 of 4 stars). 2 submissions from 2 submitters: Uncertain significance (2). Last evaluated 2025-04-22.

Conditions:
Hereditary cancer-predisposing syndrome. Also called: Neoplastic Syndromes, Hereditary; Tumor predisposition; Hereditary neoplastic syndrome; Hereditary Cancer Syndrome. Identifiers: Orphanet 140162, MedGen C0027672, MeSH D009386, MONDO:0015356.

Allele frequency attached by ClinVar (database versions not stated): TOPMed below 0.00001; gnomAD 0.00001.
gnomAD v4.1: 1 of 1,614,080 alleles (0.000062%); highest among the groups gnomAD compares: African/African-American, 0.0013%; no homozygotes.

Submissions (2):

Labcorp Genetics (formerly Invitae), Labcorp
Classification: Uncertain significance. Last evaluated: 2025-04-22. Review status: criteria provided, single submitter. Criteria: Invitae Variant Classification Sherloc (09022015). Collection method: clinical testing. Allele origin: germline.
Comment: This sequence change replaces proline, which is neutral and non-polar, with threonine, which is neutral and polar, at codon 134 of the HOXB13 protein (p.Pro134Thr). This variant is present in population databases (no rsID available, gnomAD 0.01%). This variant has not been reported in the literature in individuals affected with HOXB13-related conditions. ClinVar contains an entry for this variant (Variation ID: 824498). Invitae Evidence Modeling of protein sequence and biophysical properties (such as structural, functional, and spatial information, amino acid conservation, physicochemical variation, residue mobility, and thermodynamic stability) indicates that this missense variant is not expected to disrupt HOXB13 protein function with a negative predictive value of 80%. In summary, the available evidence is currently insufficient to determine the role of this variant in disease. Therefore, it has been classified as a Variant of Uncertain Significance.

Ambry Genetics
Classification: Uncertain significance for Hereditary cancer-predisposing syndrome. Last evaluated: 2023-12-07. Review status: criteria provided, single submitter. Criteria: Ambry Variant Classification Scheme 2023. Collection method: clinical testing. Allele origin: germline.
Comment: The p.P134T variant (also known as c.400C>A), located in coding exon 1 of the HOXB13 gene, results from a C to A substitution at nucleotide position 400. The proline at codon 134 is replaced by threonine, an amino acid with highly similar properties. This amino acid position is well conserved in available vertebrate species. In addition, the in silico prediction for this alteration is inconclusive. Since supporting evidence is limited at this time, the clinical significance of this alteration remains unclear.

NM_006361.6(HOXB13):c.400C>A (p.Pro134Thr)

Gene: HOXB13 (homeobox B13; minus strand). Cytogenetic location: 17q21.32.
Variant type: single nucleotide variant.
Coding change: c.400C>A on transcript NM_006361.6 (MANE Select); coding-DNA position 400, C replaced by A.
Protein change: p.Pro134Thr; replaces proline 134 with threonine.
Molecular consequence: missense variant.
Genome position (GRCh38, 1-based): chr17:48,728,194, G>T on the plus strand (C>A on the coding strand, the complement: HOXB13 is on the minus strand). VCF-style: chr17-48728194-G-T. GRCh37 (hg19) VCF-style: chr17-46805556-G-T.
Other names: short protein forms P134T.
Identifiers: ClinVar variation 824498 (VCV000824498.11), dbSNP rs1431686412, ClinGen allele CA400107535.
Genomic context (GRCh38, chr17:48,728,194, plus strand): 5'-CACCCAGAGTCTGCACCACAGACACGTCCAGGTAACTGGCCATAGGCTGGTAGGTTCCCG[G>T]ATATCCCGGATAGAAGGCAAACTCAGTGGGGCGGCTGGGGTACTCTTCCCCGGCCGTGGG-3'
Protein context (NP_006352.2, residues 124-144): PTEFAFYPGY[Pro134Thr]GTYQPMASYL